The following is an entry in ClinVar:

NM_001040108.2(MLH3):c.4117A>C (p.Ser1373Arg)

Gene: MLH3 (mutL homolog 3; minus strand). Cytogenetic location: 14q24.3.
Variant type: single nucleotide variant.
Coding change: c.4117A>C on transcript NM_001040108.2 (MANE Select); coding-DNA position 4117, A replaced by C.
Protein change: p.Ser1373Arg; replaces serine 1373 with arginine.
Molecular consequence: missense variant.
Genome position (GRCh38, 1-based): chr14:75,018,954, T>G on the plus strand (A>C on the coding strand, the complement: MLH3 is on the minus strand). VCF-style: chr14-75018954-T-G. GRCh37 (hg19) VCF-style: chr14-75485657-T-G.
Other names: c.4045A>C, p.Ser1349Arg (NM_014381.3); short protein forms S1373R, S1349R.
Identifiers: ClinVar variation 2128515 (VCV002128515.4), dbSNP rs2139297700, ClinGen allele CA390420127.

ClinVar aggregate classification (germline): Uncertain significance (1 of 4 stars; one submission).

Conditions:
Colorectal cancer, hereditary nonpolyposis, type 7. Identifiers: Orphanet 144, MedGen C1858380, MONDO:0013725, OMIM 614385.

Submission:

Labcorp Genetics (formerly Invitae), Labcorp
Classification: Uncertain significance for Colorectal cancer, hereditary nonpolyposis, type 7. Last evaluated: 2022-04-20. Review status: criteria provided, single submitter. Criteria: Invitae Variant Classification Sherloc (09022015). Collection method: clinical testing. Allele origin: germline.
Comment: This sequence change replaces serine, which is neutral and polar, with arginine, which is basic and polar, at codon 1373 of the MLH3 protein (p.Ser1373Arg). In summary, the available evidence is currently insufficient to determine the role of this variant in disease. Therefore, it has been classified as a Variant of Uncertain Significance. Algorithms developed to predict the effect of missense changes on protein structure and function are either unavailable or do not agree on the potential impact of this missense change (SIFT: "Deleterious"; PolyPhen-2: "Possibly Damaging"; Align-GVGD: "Class C0"). This variant has not been reported in the literature in individuals affected with MLH3-related conditions. This variant is not present in population databases (gnomAD no frequency).